The following is an entry in ClinVar:

NM_144670.6(A2ML1):c.2868C>T (p.Ala956=)

Gene: A2ML1 (alpha-2-macroglobulin like 1; plus strand). Cytogenetic location: 12p13.31.
Variant type: single nucleotide variant.
Coding change: c.2868C>T on transcript NM_144670.6 (MANE Select); coding-DNA position 2868, C replaced by T.
Protein change: p.Ala956=; no amino-acid change (alanine 956 retained).
Molecular consequence: synonymous variant.
Genome position (GRCh38, 1-based): chr12:8,857,183, C>T. VCF-style: chr12-8857183-C-T. GRCh37 (hg19) VCF-style: chr12-9009779-C-T.
Other names: c.1395C>T, p.Ala465= (NM_001282424.3).
Identifiers: ClinVar variation 384725 (VCV000384725.19), dbSNP rs56179521, ClinGen allele CA6436188.

ClinVar aggregate classification (germline): Benign. Review status: criteria provided, multiple submitters, no conflicts (2 of 4 stars). 9 submissions from 9 submitters: Benign (6). 3 of the submissions do not count toward it. Last evaluated 2026-02-04.

Conditions:
Otitis media, susceptibility to (OMS). Also called: OTITIS MEDIA, CHRONIC/RECURRENT; COME/ROM. Identifiers: MedGen C1833692, MONDO:0008162, OMIM 166760.

Allele frequency attached by ClinVar (database versions not stated): 1000 Genomes Project 0.01518; 1000 Genomes Project 30x 0.01546; TOPMed 0.02948; ESP Exome Variant Server 0.03597; gnomAD 0.03733 and 0.03852; gnomAD exomes 0.03790 and 0.04883; ExAC 0.03808.
gnomAD v4.1: 76,295 of 1,612,308 alleles (4.7%); highest among the groups gnomAD compares: Non-Finnish European, 5.4%; 2,274 homozygotes.

Submissions (9):

Labcorp Genetics (formerly Invitae), Labcorp
Classification: Benign. Last evaluated: 2026-02-04. Review status: criteria provided, single submitter. Criteria: Invitae Variant Classification Sherloc (09022015). Collection method: clinical testing. Allele origin: germline.

Blueprint Genetics
Classification: Benign. Last evaluated: 2024-11-27. Review status: criteria provided, single submitter. Criteria: ACMG Guidelines, 2015. Collection method: clinical testing. Allele origin: germline.

ARUP Laboratories, Molecular Genetics and Genomics, ARUP Laboratories
Classification: Benign for Otitis media, susceptibility to. Last evaluated: 2023-11-22. Review status: criteria provided, single submitter. Criteria: ARUP Molecular Germline Variant Investigation Process 2024. Collection method: clinical testing. Allele origin: germline.

Women's Health and Genetics/Laboratory Corporation of America, LabCorp
Classification: Benign. Last evaluated: 2017-07-07. Review status: criteria provided, single submitter. Criteria: LabCorp Variant Classification Summary - May 2015. Collection method: clinical testing. Allele origin: germline.
Comment: Variant summary: The A2ML1 c.2868C>T (p.Ala956Ala) variant involves the alteration of a non-conserved nucleotide, resulting in a synonymous change. Mutation taster predicts a polymorphism outcome for this variant. 5/5 splice prediction tools predict no significant impact on normal splicing. ESE finder predicts that this variant may affect binding of multiple ESE sites. However, these predictions have yet to be confirmed by functional studies. This variant was found in 4589/120498 control chromosomes (135 homozygotes) at a frequency of 0.0380836, which is approximately 9521 times the estimated maximal expected allele frequency of a pathogenic A2ML1 variant (0.000004), suggesting this variant is likely a benign polymorphism. In addition, multiple clinical diagnostic laboratories (via ClinVar) have classified this variant as benign. It has also been reported as a non-pathogenic variant in literature (Vissers_2015). Taken together, this variant is classified as benign.

GeneDx
Classification: Benign. Last evaluated: 2016-09-30. Review status: criteria provided, single submitter. Criteria: GeneDx Variant Classification (06012015). Collection method: clinical testing. Allele origin: germline. Affected: yes.
Comment: This variant is considered likely benign or benign based on one or more of the following criteria: it is a conservative change, it occurs at a poorly conserved position in the protein, it is predicted to be benign by multiple in silico algorithms, and/or has population frequency not consistent with disease.

Breakthrough Genomics
Classification: Benign. Review status: criteria provided, single submitter. Criteria: ACMG Guidelines, 2015. Collection method: not provided. Allele origin: germline. Inheritance: Autosomal dominant inheritance. Affected: yes.

Clinical Genetics, Academic Medical Center
Classification: Benign. Review status: no assertion criteria provided. Collection method: clinical testing. Allele origin: germline. Affected: yes. Study: VKGL Data-share Consensus. Not counted in ClinVar's aggregate classification.

Joint Genome Diagnostic Labs from Nijmegen and Maastricht, Radboudumc and MUMC+
Classification: Likely benign. Review status: no assertion criteria provided. Collection method: clinical testing. Allele origin: germline. Affected: yes. Study: VKGL Data-share Consensus. Not counted in ClinVar's aggregate classification.

Laboratory of Diagnostic Genome Analysis, Leiden University Medical Center (LUMC)
Classification: Benign. Review status: no assertion criteria provided. Collection method: clinical testing. Allele origin: germline. Affected: yes. Study: VKGL Data-share Consensus. Not counted in ClinVar's aggregate classification.